The following is an entry in ClinVar:

NM_000195.5(HPS1):c.507+13C>T

Gene: HPS1 (HPS1 biogenesis of lysosomal organelles complex 3 subunit 1; minus strand). Cytogenetic location: 10q24.2.
Variant type: single nucleotide variant.
Coding change: c.507+13C>T on transcript NM_000195.5 (MANE Select); 13 bases into the intron after coding-DNA position 507, C replaced by T.
Molecular consequence: intron variant. On other transcripts: 5 prime UTR variant (3), missense variant (5).
Genome position (GRCh38, 1-based): chr10:98,433,970, G>A on the plus strand (C>T on the coding strand, the complement: HPS1 is on the minus strand). VCF-style: chr10-98433970-G-A. GRCh37 (hg19) VCF-style: chr10-100193727-G-A.
Other names: c.377C>T (NM_001322482.1); c.-397C>T (NM_001311345.2, NM_001322489.2); c.377C>T, p.Ala126Val (NM_001322480.2, NM_001322481.2, NM_001322482.2); c.-496C>T (NM_001322487.2); c.520C>T, p.Arg174Cys (NM_001322490.2, NM_001322492.2); c.138+13C>T (NM_001322483.2, NM_001322485.2, NM_001322484.2); c.507+13C>T (NM_001322478.2, NM_001322476.2, NM_001322479.2 and 3 more transcripts); short protein forms A126V, R174C.
Identifiers: ClinVar variation 513465 (VCV000513465.14), dbSNP rs371779884, ClinGen allele CA5639391.

ClinVar aggregate classification (germline): Conflicting classifications of pathogenicity. Review status: criteria provided, conflicting classifications (1 of 4 stars). 4 submissions from 4 submitters: Uncertain significance (1); Likely benign (3). Last evaluated 2026-01-27.

Conditions:
Hermansky-Pudlak syndrome 1 (HPS1). Also called: DELTA STORAGE POOL DISEASE. Identifiers: Orphanet 231500, Orphanet 79430, MedGen C2931875, MONDO:0008748, OMIM 203300.
HPS1-related disorder. Also called: HPS1-related condition.

Allele frequency attached by ClinVar (database versions not stated): 1000 Genomes Project 30x 0.00016; TOPMed 0.00020; gnomAD 0.00022; gnomAD exomes 0.00024 and 0.00034; ESP Exome Variant Server 0.00039; 1000 Genomes Project 0.00040; ExAC 0.00078.
gnomAD v4.1: 495 of 1,553,546 alleles (0.032%); highest among the groups gnomAD compares: Non-Finnish European, 0.042%; no homozygotes.

Submissions (5):

Labcorp Genetics (formerly Invitae), Labcorp
Classification: Likely benign. Last evaluated: 2026-01-27. Review status: criteria provided, single submitter. Criteria: Invitae Variant Classification Sherloc (09022015). Collection method: clinical testing. Allele origin: germline.

PreventionGenetics, part of Exact Sciences
Classification: Likely benign for HPS1-related condition. Last evaluated: 2025-05-07. Review status: criteria provided, single submitter. Criteria: ACMG Guidelines, 2015. Collection method: clinical testing. Allele origin: germline.
Comment: This variant is classified as likely benign based on ACMG/AMP sequence variant interpretation guidelines (Richards et al. 2015 PMID: 25741868, with internal and published modifications).

Illumina Laboratory Services, Illumina
Classification: Uncertain significance for Hermansky-Pudlak syndrome 1. Last evaluated: 2018-01-12. Review status: criteria provided, single submitter. Criteria: ICSL Variant Classification Criteria 13 December 2019. Collection method: clinical testing. Allele origin: germline.

GeneDx
Classification: Likely benign. Last evaluated: 2017-11-24. Review status: criteria provided, single submitter. Criteria: GeneDx Variant Classification (06012015). Collection method: clinical testing. Allele origin: germline. Affected: yes.
Comment: This variant is considered likely benign or benign based on one or more of the following criteria: it is a conservative change, it occurs at a poorly conserved position in the protein, it is predicted to be benign by multiple in silico algorithms, and/or has population frequency not consistent with disease.

Dr. Peter K. Rogan Lab, Western University
No classification provided (evidence only). Condition: Thyroid cancer, nonmedullary, 1. Review status: no classification provided. Collection method: in vitro. Allele origin: not applicable. Functional consequence: retained intron. Not counted in ClinVar's aggregate classification.